The following is an entry in ClinVar:

ClinVar aggregate classification (germline): Uncertain significance (1 of 4 stars; one submission).

Allele frequency attached by ClinVar (database versions not stated): gnomAD 0.00001.
gnomAD v4.1: 6 of 1,614,036 alleles (0.00037%); highest among the groups gnomAD compares: Non-Finnish European, 0.00051%; no homozygotes.

Submission:

GeneDx
Classification: Uncertain significance. Last evaluated: 2023-01-17. Review status: criteria provided, single submitter. Criteria: GeneDx Variant Classification Process June 2021. Collection method: clinical testing. Allele origin: germline. Affected: yes.
Comment: Not observed at significant frequency in large population cohorts (gnomAD); In silico analysis supports that this missense variant has a deleterious effect on protein structure/function; Has not been previously published as pathogenic or benign to our knowledge

NM_017534.6(MYH2):c.5332G>A (p.Glu1778Lys)

Genes: MYH2 (myosin heavy chain 2; minus strand), MYHAS (myosin heavy chain gene cluster antisense RNA; plus strand). Cytogenetic location: 17p13.1.
Variant type: single nucleotide variant.
Coding change: c.5332G>A on transcript NM_017534.6 (MANE Select); coding-DNA position 5332, G replaced by A.
Protein change: p.Glu1778Lys; replaces glutamic acid 1778 with lysine.
Molecular consequence: missense variant.
Genome position (GRCh38, 1-based): chr17:10,523,636, C>T on the plus strand (G>A on the coding strand, the complement: MYH2 is on the minus strand). VCF-style: chr17-10523636-C-T. GRCh37 (hg19) VCF-style: chr17-10426953-C-T.
Other names: c.5332G>A, p.Glu1778Lys (NM_001100112.2); short protein forms E1778K.
Identifiers: ClinVar variation 2572933 (VCV002572933.1), dbSNP rs867958590, ClinGen allele CA287734919.